The following is an entry in ClinVar:

NM_001164665.2(KIAA1549):c.4439G>A (p.Arg1480Gln)

Gene: KIAA1549 (KIAA1549; minus strand). Cytogenetic location: 7q34.
Variant type: single nucleotide variant.
Coding change: c.4439G>A on transcript NM_001164665.2 (MANE Select); coding-DNA position 4439, G replaced by A.
Protein change: p.Arg1480Gln; replaces arginine 1480 with glutamine.
Molecular consequence: missense variant.
Genome position (GRCh38, 1-based): chr7:138,871,269, C>T on the plus strand (G>A on the coding strand, the complement: KIAA1549 is on the minus strand). VCF-style: chr7-138871269-C-T. GRCh37 (hg19) VCF-style: chr7-138556015-C-T.
Other names: c.4439G>A, p.Arg1480Gln (NM_020910.3); short protein forms R1480Q.
Identifiers: ClinVar variation 962190 (VCV000962190.8), dbSNP rs375098757, ClinGen allele CA4505898.

ClinVar aggregate classification (germline): Uncertain significance. Review status: criteria provided, multiple submitters, no conflicts (2 of 4 stars). 4 submissions from 4 submitters: Uncertain significance (4). Last evaluated 2024-10-21.

Conditions:
Inborn genetic diseases. Identifiers: MedGen C0950123, MeSH D030342.

Allele frequency attached by ClinVar (database versions not stated): gnomAD 0.00007 and 0.00008; ESP Exome Variant Server 0.00008; ExAC 0.00009; gnomAD exomes 0.00009 and 0.00013; TOPMed 0.00009.
gnomAD v4.1: 197 of 1,611,560 alleles (0.012%); highest among the groups gnomAD compares: Middle Eastern, 0.033%; no homozygotes.

Submissions (4):

Blueprint Genetics
Classification: Uncertain significance. Last evaluated: 2024-10-21. Review status: criteria provided, single submitter. Criteria: ACMG Guidelines, 2015. Collection method: clinical testing. Allele origin: germline.

Ambry Genetics
Classification: Uncertain significance for Inborn genetic diseases. Last evaluated: 2024-03-01. Review status: criteria provided, single submitter. Criteria: Ambry Variant Classification Scheme 2023. Collection method: clinical testing. Allele origin: germline.

Labcorp Genetics (formerly Invitae), Labcorp
Classification: Uncertain significance. Last evaluated: 2023-11-28. Review status: criteria provided, single submitter. Criteria: Invitae Variant Classification Sherloc (09022015). Collection method: clinical testing. Allele origin: germline.
Comment: This sequence change replaces arginine, which is basic and polar, with glutamine, which is neutral and polar, at codon 1480 of the KIAA1549 protein (p.Arg1480Gln). This variant is present in population databases (rs375098757, gnomAD 0.02%). This variant has not been reported in the literature in individuals affected with KIAA1549-related conditions. ClinVar contains an entry for this variant (Variation ID: 962190). An algorithm developed to predict the effect of missense changes on protein structure and function (PolyPhen-2) suggests that this variant is likely to be disruptive. In summary, the available evidence is currently insufficient to determine the role of this variant in disease. Therefore, it has been classified as a Variant of Uncertain Significance.

Breakthrough Genomics
Classification: Uncertain significance. Review status: criteria provided, single submitter. Criteria: ACMG Guidelines, 2015. Collection method: not provided. Allele origin: germline. Inheritance: Autosomal recessive inheritance. Affected: yes.